The following is an entry in ClinVar:

NM_001164586.2(IGFN1):c.7935C>T (p.Pro2645=)

Gene: IGFN1 (immunoglobulin like and fibronectin type III domain containing 1; plus strand). Cytogenetic location: 1q32.1.
Variant type: single nucleotide variant.
Coding change: c.7935C>T on transcript NM_001164586.2 (MANE Select); coding-DNA position 7935, C replaced by T.
Protein change: p.Pro2645=; no amino-acid change (proline 2645 retained).
Molecular consequence: synonymous variant. On other transcripts: intron variant (1).
Genome position (GRCh38, 1-based): chr1:201,212,828, C>T. VCF-style: chr1-201212828-C-T. GRCh37 (hg19) VCF-style: chr1-201181956-C-T.
Other names: c.1242-678C>T (NM_001367841.1).
Identifiers: ClinVar variation 4534356 (VCV004534356.6).
Genomic context (GRCh38, chr1:201,212,828, plus strand): 5'-GGCTCCTGATTGGGAAAACCAGGGGTTTAGCCAAGGCAGCATAGATGCTGGGAAGCAGCC[C>T]GCAGGCTCCAGAGCTTCCGGTTCTCTGCAGGAGAAAGATGCCGCTTTTGGTGGGACCCAT-3'
Protein context (NP_001158058.1, residues 2635-2655): SQGSIDAGKQ[Pro2645=]AGSRASGSLQ

ClinVar aggregate classification (germline): Likely benign (1 of 4 stars; one submission).

gnomAD v4.1: 15 of 1,551,158 alleles (0.00097%); highest among the groups gnomAD compares: South Asian, 0.0048%; no homozygotes.

Submission:

CeGaT Center for Human Genetics Tuebingen
Classification: Likely benign. Last evaluated: 2025-11-01. Review status: criteria provided, single submitter. Criteria: CeGaT Center For Human Genetics Tuebingen Variant Classification Criteria Version 2. Collection method: clinical testing. Allele origin: germline. Affected: yes. Observed: 1 variant allele.
Comment: IGFN1: BP4, BP7